The following is an entry in ClinVar:

NM_000322.5(PRPH2):c.1011_1014dup (p.Ala339fs)

Gene: PRPH2 (peripherin 2; minus strand). Cytogenetic location: 6p21.1.
Variant type: Duplication.
Coding change: c.1011_1014dup on transcript NM_000322.5 (MANE Select); coding-DNA positions 1011 to 1014, 4 bases duplicated (AGAC; older notation c.1011_1014dupAGAC).
Protein change: p.Ala339fs; shifts the reading frame from alanine 339.
Molecular consequence: frameshift variant.
Genome position (GRCh38, 1-based): chr6:42,698,322-42,698,325, GTCT duplicated on the plus strand (AGAC on the coding strand, the reverse complement: PRPH2 is on the minus strand); duplicating any 4 consecutive bases within chr6:42,698,322-42,698,326 gives the same sequence; the c. name uses the placement nearest the transcript's 3' end. VCF-style (leftmost placement, unchanged base first): chr6-42698321-C-CGTCT. GRCh37 (hg19) VCF-style: chr6-42666059-C-CGTCT.
Other names: short protein forms A339fs.
Identifiers: ClinVar variation 842434 (VCV000842434.13), dbSNP rs1799984208, ClinGen allele CA916082820.

ClinVar aggregate classification (germline): Conflicting classifications of pathogenicity. Review status: criteria provided, conflicting classifications (1 of 4 stars). 3 submissions from 3 submitters: Likely pathogenic (1); Uncertain significance (1). 1 of the submissions does not count toward it. Last evaluated 2020-02-18.

Conditions:
PRPH2-related disorder. Also called: PRPH2-related disorders; PRPH2-related condition. Identifiers: MedGen CN239395.

Submissions (3):

Labcorp Genetics (formerly Invitae), Labcorp
Classification: Uncertain significance for PRPH2-related disorder. Last evaluated: 2020-02-18. Review status: criteria provided, single submitter. Criteria: Invitae Variant Classification Sherloc (09022015). Collection method: clinical testing. Allele origin: germline.
Comment: In summary, the available evidence is currently insufficient to determine the role of this variant in disease. Therefore, it has been classified as a Variant of Uncertain Significance. This sequence change results in a frameshift in the PRPH2 gene (p.Ala339Argfs*54). While this is not anticipated to result in nonsense mediated decay, it is expected to disrupt the last 8 amino acids of the PRPH2 protein and extend the protein by an additional 45 amino acids. This variant is not present in population databases (ExAC no frequency). This variant has been observed in individual(s) with pattern dystrophy (Invitae).

Blueprint Genetics
Classification: Likely pathogenic for PRPH2-related disorders. Last evaluated: 2018-11-14. Review status: criteria provided, single submitter. Criteria: ACMG Guidelines, 2015. Collection method: clinical testing. Allele origin: germline. Affected: yes. Observed: 1 variant allele.

Leiden Open Variation Database
Classification: Likely pathogenic. Last evaluated: 2021-05-27. Review status: no assertion criteria provided. Collection method: curation. Allele origin: germline. Affected: yes. Not counted in ClinVar's aggregate classification.
Comment: Curator: Global Variome, with Curator vacancy. Submitter to LOVD: Global Variome, with Curator vacancy.

Literature cited by the submitters: PubMed 31429209 (cited by Leiden Open Variation Database).